The following is an entry in ClinVar:

NM_001128178.3(NPHP1):c.184G>A (p.Ala62Thr)

Gene: NPHP1 (nephrocystin 1; minus strand). Cytogenetic location: 2q13.
Variant type: single nucleotide variant.
Coding change: c.184G>A on transcript NM_001128178.3 (MANE Select); coding-DNA position 184, G replaced by A.
Protein change: p.Ala62Thr; replaces alanine 62 with threonine.
Molecular consequence: missense variant. On other transcripts: intron variant (1).
Genome position (GRCh38, 1-based): chr2:110,179,644, C>T on the plus strand (G>A on the coding strand, the complement: NPHP1 is on the minus strand). VCF-style: chr2-110179644-C-T. GRCh37 (hg19) VCF-style: chr2-110937221-C-T.
Other names: c.184G>A, p.Ala62Thr (NM_000272.5, NM_001374256.1, NM_001374257.1 and 1 more transcripts); c.144-9646G>A (NM_001128179.3); short protein forms A62T.
Identifiers: ClinVar variation 287188 (VCV000287188.15), dbSNP rs886043591, ClinGen allele CA10605696.

ClinVar aggregate classification (germline): Uncertain significance. Review status: criteria provided, multiple submitters, no conflicts (2 of 4 stars). 3 submissions from 3 submitters: Uncertain significance (3). Last evaluated 2023-12-14.

Conditions:
Nephronophthisis. Also called: Juvenile Nephronophthisis. Identifiers: Orphanet 655, MedGen C0687120, MONDO:0019005, HP:0000090.

Allele frequency attached by ClinVar (database versions not stated): gnomAD exomes below 0.00001.
gnomAD v4.1: 3 of 1,367,046 alleles (0.00022%); highest among the groups gnomAD compares: South Asian, 0.0023%; no homozygotes.

Submissions (3):

Blueprint Genetics
Classification: Uncertain significance. Last evaluated: 2023-12-14. Review status: criteria provided, single submitter. Criteria: ACMG Guidelines, 2015. Collection method: clinical testing. Allele origin: germline.

Labcorp Genetics (formerly Invitae), Labcorp
Classification: Uncertain significance for Nephronophthisis. Last evaluated: 2023-08-04. Review status: criteria provided, single submitter. Criteria: Invitae Variant Classification Sherloc (09022015). Collection method: clinical testing. Allele origin: germline.
Comment: This sequence change replaces alanine, which is neutral and non-polar, with threonine, which is neutral and polar, at codon 62 of the NPHP1 protein (p.Ala62Thr). This variant is not present in population databases (gnomAD no frequency). In summary, the available evidence is currently insufficient to determine the role of this variant in disease. Therefore, it has been classified as a Variant of Uncertain Significance. Advanced modeling of protein sequence and biophysical properties (such as structural, functional, and spatial information, amino acid conservation, physicochemical variation, residue mobility, and thermodynamic stability) performed at Invitae indicates that this missense variant is not expected to disrupt NPHP1 protein function. ClinVar contains an entry for this variant (Variation ID: 287188). This variant has not been reported in the literature in individuals affected with NPHP1-related conditions.

Eurofins Ntd Llc (ga)
Classification: Uncertain significance. Last evaluated: 2016-04-14. Review status: criteria provided, single submitter. Criteria: EGL Classification Definitions 2015. Collection method: clinical testing. Allele origin: germline. Observed: 1 variant allele, 1 heterozygote.